The following is an entry in ClinVar:

NM_025137.4(SPG11):c.5769dup (p.Met1924fs)

Gene: SPG11 (SPG11 vesicle trafficking associated, spatacsin; minus strand). Cytogenetic location: 15q21.1.
Variant type: Duplication.
Coding change: c.5769dup on transcript NM_025137.4 (MANE Select); coding-DNA position 5769, one base duplicated (T; older notation c.5769dupT).
Protein change: p.Met1924fs; shifts the reading frame from methionine 1924.
Molecular consequence: frameshift variant.
Genome position (GRCh38, 1-based): chr15:44,583,911, A duplicated on the plus strand (T on the coding strand, the reverse complement: SPG11 is on the minus strand). VCF-style (leftmost placement, unchanged base first): chr15-44583910-T-TA. GRCh37 (hg19) VCF-style: chr15-44876108-T-TA.
Other names: c.5769dup, p.Met1924fs (NM_001160227.2); short protein forms M1924fs.
Identifiers: ClinVar variation 817675 (VCV000817675.8), dbSNP rs1595842556, ClinGen allele CA912980550.

ClinVar aggregate classification (germline): Pathogenic. Review status: criteria provided, multiple submitters, no conflicts (2 of 4 stars). 4 submissions from 4 submitters: Pathogenic (4). Last evaluated 2026-07-01.

Conditions:
Hereditary spastic paraplegia 11. Also called: Spastic Paraplegia 11; SPASTIC PARAPLEGIA, AUTOSOMAL RECESSIVE, COMPLICATED, WITH THIN CORPUS CALLOSUM; SPASTIC PARAPLEGIA, AUTOSOMAL RECESSIVE, WITH MENTAL IMPAIRMENT AND THIN CORPUS CALLOSUM; Spastic paraplegia, mental retardation and thin corpus callosum; Nakamura Osame syndrome; Autosomal recessive hereditary spastic paraplegia, mental impairment, and thin corpus callosum. Identifiers: Orphanet 2822, MedGen C1858479, MONDO:0011445, OMIM 604360.

Submissions (4):

CeGaT Center for Human Genetics Tuebingen
Classification: Pathogenic. Last evaluated: 2026-07-01. Review status: criteria provided, single submitter. Criteria: CeGaT Center For Human Genetics Tuebingen Variant Classification Criteria Version 2. Collection method: clinical testing. Allele origin: germline. Affected: yes. Observed: 1 variant allele.
Comment: SPG11: PVS1, PM2

Labcorp Genetics (formerly Invitae), Labcorp
Classification: Pathogenic for Hereditary spastic paraplegia 11. Last evaluated: 2021-10-15. Review status: criteria provided, single submitter. Criteria: Invitae Variant Classification Sherloc (09022015). Collection method: clinical testing. Allele origin: germline.
Comment: This sequence change creates a premature translational stop signal (p.Met1924Tyrfs*16) in the SPG11 gene. It is expected to result in an absent or disrupted protein product. Loss-of-function variants in SPG11 are known to be pathogenic (PMID: 19105190, 20110243, 22154821, 26556829). For these reasons, this variant has been classified as Pathogenic. This variant is not present in population databases (ExAC no frequency). This variant has not been reported in the literature in individuals affected with SPG11-related conditions. ClinVar contains an entry for this variant (Variation ID: 817675).

GeneDx
Classification: Pathogenic. Last evaluated: 2018-06-11. Review status: criteria provided, single submitter. Criteria: GeneDx Variant Classification (06012015). Collection method: clinical testing. Allele origin: germline. Affected: yes.
Comment: The c.5769dupT variant in the SPG11 gene causes a frameshift starting with codon Methionine 1924,changes this amino acid to a Tyrosine residue and creates a premature Stop codon at position 16 ofthe new reading frame, denoted p.Met1924TyrfsX16. This variant is predicted to cause loss of normalprotein function either through protein truncation or nonsense-mediated mRNA decay. Thec.5769dupT variant is not observed in large population cohorts (Lek et al., 2016).

Genome-Nilou Lab
Classification: Pathogenic for Hereditary spastic paraplegia 11. Review status: criteria provided, single submitter. Criteria: ACMG Guidelines, 2015. Collection method: clinical testing. Allele origin: germline.

Literature cited by the submitters: PubMed 19105190 (cited by Labcorp Genetics (formerly Invitae), Labcorp); PubMed 20110243 (cited by Labcorp Genetics (formerly Invitae), Labcorp); PubMed 22154821 (cited by Labcorp Genetics (formerly Invitae), Labcorp); PubMed 26556829 (cited by Labcorp Genetics (formerly Invitae), Labcorp).